The following is an entry in ClinVar:

ClinVar aggregate classification (germline): Uncertain significance. Review status: criteria provided, multiple submitters, no conflicts (2 of 4 stars). 2 submissions from 2 submitters: Uncertain significance (2). Last evaluated 2024-04-11.

Conditions:
Cardiovascular phenotype. Identifiers: MedGen CN230736.
Brugada syndrome. Also called: Sudden unexpected nocturnal death syndrome; Sudden unexplained nocturnal death syndrome; Sudden Unexplained Death Syndrome; Sudden Unexplained Nocturnal Death Syndrome (SUNDS). Identifiers: Orphanet 130, MedGen C1142166, MONDO:0015263.

Allele frequency attached by ClinVar (database versions not stated): gnomAD exomes 0.00001; ExAC 0.00003.
gnomAD v4.1: 10 of 1,606,554 alleles (0.00062%); highest among the groups gnomAD compares: South Asian, 0.0066%; no homozygotes.

Submissions (2):

Labcorp Genetics (formerly Invitae), Labcorp
Classification: Uncertain significance for Brugada syndrome. Last evaluated: 2024-04-11. Review status: criteria provided, single submitter. Criteria: Invitae Variant Classification Sherloc (09022015). Collection method: clinical testing. Allele origin: germline.
Comment: This sequence change replaces aspartic acid, which is acidic and polar, with asparagine, which is neutral and polar, at codon 759 of the CACNA2D1 protein (p.Asp759Asn). This variant is present in population databases (rs767965086, gnomAD 0.01%). This variant has not been reported in the literature in individuals affected with CACNA2D1-related conditions. ClinVar contains an entry for this variant (Variation ID: 1788850). Experimental studies and prediction algorithms are not available or were not evaluated, and the functional significance of this variant is currently unknown. In summary, the available evidence is currently insufficient to determine the role of this variant in disease. Therefore, it has been classified as a Variant of Uncertain Significance.

Ambry Genetics
Classification: Uncertain significance for Cardiovascular phenotype. Last evaluated: 2022-07-25. Review status: criteria provided, single submitter. Criteria: Ambry Variant Classification Scheme 2023. Collection method: clinical testing. Allele origin: germline.
Comment: The p.D759N variant (also known as c.2275G>A), located in coding exon 28 of the CACNA2D1 gene, results from a G to A substitution at nucleotide position 2275. The aspartic acid at codon 759 is replaced by asparagine, an amino acid with highly similar properties. This amino acid position is conserved. In addition, this alteration is predicted to be tolerated by in silico analysis. Since supporting evidence is limited at this time, the clinical significance of this alteration remains unclear.

NM_000722.4(CACNA2D1):c.2275G>A (p.Asp759Asn)

Gene: CACNA2D1 (calcium voltage-gated channel auxiliary subunit alpha2delta 1; minus strand). Cytogenetic location: 7q21.11.
Variant type: single nucleotide variant.
Coding change: c.2275G>A on transcript NM_000722.4 (MANE Select); coding-DNA position 2275, G replaced by A.
Protein change: p.Asp759Asn; replaces aspartic acid 759 with asparagine.
Molecular consequence: missense variant.
Genome position (GRCh38, 1-based): chr7:81,969,914, C>T on the plus strand (G>A on the coding strand, the complement: CACNA2D1 is on the minus strand). VCF-style: chr7-81969914-C-T. GRCh37 (hg19) VCF-style: chr7-81599230-C-T.
Other names: c.2311G>A, p.Asp771Asn (NM_001366867.1); short protein forms D759N, D771N.
Identifiers: ClinVar variation 1788850 (VCV001788850.4), dbSNP rs767965086, ClinGen allele CA4317685.